The following is an entry in ClinVar:

NM_007294.4(BRCA1):c.127T>G (p.Phe43Val)

Gene: BRCA1 (BRCA1 DNA repair associated; minus strand). Cytogenetic location: 17q21.31.
Variant type: single nucleotide variant.
Coding change: c.127T>G on transcript NM_007294.4 (MANE Select); coding-DNA position 127, T replaced by G.
Protein change: p.Phe43Val; replaces phenylalanine 43 with valine.
Molecular consequence: missense variant. On other transcripts: non-coding transcript variant (1), intron variant (1).
Genome position (GRCh38, 1-based): chr17:43,115,733, A>C on the plus strand (T>G on the coding strand, the complement: BRCA1 is on the minus strand). VCF-style: chr17-43115733-A-C. GRCh37 (hg19) VCF-style: chr17-41267750-A-C.
Other names: c.-62T>G (NM_001407571.1, NM_001407853.1, NM_001407879.1 and 52 more transcripts); c.127T>G, p.Phe43Val (NM_001407581.1, NM_001407582.1, NM_001407583.1 and 192 more transcripts); c.-131T>G (NM_001407694.1, NM_001407696.1, NM_001407724.1 and 13 more transcripts); c.-135T>G (NM_001407695.1, NM_001408465.1); c.-15T>G (NM_001407697.1, NM_001407725.1, NM_001407728.1 and 47 more transcripts); c.-11T>G (NM_001407841.1); c.-178T>G (NM_001407889.1, NM_001407900.1, NM_001408492.1); c.-177T>G (NM_001407960.1, NM_001407962.1, NM_001408510.1 and 1 more transcripts); and 2 more; short protein forms F43V.
Identifiers: ClinVar variation 867828 (VCV000867828.6), dbSNP rs1555599214, ClinGen allele CA10601903.

ClinVar aggregate classification (germline): Uncertain significance (1 of 4 stars; one submission).

Conditions:
Hereditary breast ovarian cancer syndrome. Also called: Hereditary breast and ovarian cancer; Hereditary breast and ovarian cancer syndrome (HBOC); Breast and ovarian cancer; Hereditary breast and/or ovarian cancer syndrome; BRCA1- and BRCA2-Associated Hereditary Breast and Ovarian Cancer; Hereditary breast and ovarian cancer syndrome. Identifiers: Orphanet 145, MedGen C0677776, MeSH D061325, MONDO:0003582. Disease mechanism: loss of function.

Submissions (2):

Labcorp Genetics (formerly Invitae), Labcorp
Classification: Uncertain significance for Hereditary breast ovarian cancer syndrome. Last evaluated: 2023-04-13. Review status: criteria provided, single submitter. Criteria: Invitae Variant Classification Sherloc (09022015). Collection method: clinical testing. Allele origin: germline.
Comment: In summary, the available evidence is currently insufficient to determine the role of this variant in disease. Therefore, it has been classified as a Variant of Uncertain Significance. Advanced modeling performed at Invitae incorporating data from internal and/or published experimental studies (PMID: 30209399) did not meet the statistical confidence thresholds required to predict the impact of this variant on BRCA1 function. ClinVar contains an entry for this variant (Variation ID: 867828). This variant has not been reported in the literature in individuals affected with BRCA1-related conditions. This variant is not present in population databases (gnomAD no frequency). This sequence change replaces phenylalanine, which is neutral and non-polar, with valine, which is neutral and non-polar, at codon 43 of the BRCA1 protein (p.Phe43Val).

Brotman Baty Institute, University of Washington
No classification provided (evidence only). Condition: Breast-ovarian cancer, familial 1. Review status: no classification provided. Collection method: in vitro. Allele origin: not applicable. Functional consequence: function_uncertain_variant. Not counted in ClinVar's aggregate classification.
ClinVar note: "not provided" was previously submitted as the classification for the variant. However, the classification appeared to be based only on an observation of functional data so it was converted to no classification on 2025-07-30.

Literature cited by the submitters: PubMed 30209399 (cited by Labcorp Genetics (formerly Invitae), Labcorp).